The following is an entry in ClinVar:

NM_001378609.3(OTOGL):c.3887T>G (p.Leu1296Arg)

Gene: OTOGL (otogelin like; plus strand). Cytogenetic location: 12q21.31.
Variant type: single nucleotide variant.
Coding change: c.3887T>G on transcript NM_001378609.3 (MANE Select); coding-DNA position 3887, T replaced by G.
Protein change: p.Leu1296Arg; replaces leucine 1296 with arginine.
Molecular consequence: missense variant.
Genome position (GRCh38, 1-based): chr12:80,320,506, T>G. VCF-style: chr12-80320506-T-G. GRCh37 (hg19) VCF-style: chr12-80714286-T-G.
Other names: c.3752T>G, p.Leu1251Arg (NM_001368062.3); c.3887T>G, p.Leu1296Arg (NM_001378610.3, NM_173591.7); short protein forms L1251R, L1296R.
Identifiers: ClinVar variation 2346330 (VCV002346330.4), dbSNP rs143621026, ClinGen allele CA6701199.
Genomic context (GRCh38, chr12:80,320,506, plus strand): 5'-CTGCTGAAAGGCCAAACTACTTTCTCTATGTCCATGACAATGATACTCTTAGCTTGGAGC[T>G]GTGGGAGGCGAATTCAGCCTTTCATCGGAGAGCAACATTTTTCCACCATCAGGGCCTCTG-3'
Protein context (NP_001365538.2, residues 1286-1306): VHDNDTLSLE[Leu1296Arg]WEANSAFHRR

ClinVar aggregate classification (germline): Uncertain significance. Review status: criteria provided, multiple submitters, no conflicts (2 of 4 stars). 3 submissions from 3 submitters: Uncertain significance (3). Last evaluated 2026-07-27.

Conditions:
OTOGL-related disorder. Also called: OTOGL-related condition.
Inborn genetic diseases. Identifiers: MedGen C0950123, MeSH D030342.

Allele frequency attached by ClinVar (database versions not stated): ExAC 0.00007; 1000 Genomes Project 0.00020; gnomAD 0.00021; TOPMed 0.00025; ESP Exome Variant Server 0.00033.
gnomAD v4.1: 62 of 1,613,670 alleles (0.0038%); highest among the groups gnomAD compares: African/African-American, 0.083%; no homozygotes.

Submissions (3):

PreventionGenetics, part of Exact Sciences
Classification: Uncertain significance for OTOGL-related condition. Last evaluated: 2026-07-27. Review status: criteria provided, single submitter. Criteria: ACMG Guidelines, 2015. Collection method: clinical testing. Allele origin: germline.
Comment: The OTOGL c.3860T>G variant is predicted to result in the amino acid substitution p.Leu1287Arg. To our knowledge, this variant has not been reported in the literature. This variant is reported in 0.070% of alleles in individuals of African descent in gnomAD. Although we suspect that this variant may be benign, at this time, the clinical significance of this variant is uncertain due to the absence of conclusive functional and genetic evidence.

GeneDx
Classification: Uncertain significance. Last evaluated: 2024-04-12. Review status: criteria provided, single submitter. Criteria: GeneDx Variant Classification Process June 2021. Collection method: clinical testing. Allele origin: germline. Affected: yes.
Comment: In silico analysis indicates that this missense variant does not alter protein structure/function; Has not been previously published as pathogenic or benign to our knowledge

Ambry Genetics
Classification: Uncertain significance for Inborn genetic diseases. Last evaluated: 2022-11-09. Review status: criteria provided, single submitter. Criteria: Ambry Variant Classification Scheme 2023. Collection method: clinical testing. Allele origin: germline.